The following is an entry in ClinVar:

NM_002471.4(MYH6):c.3267T>G (p.Ile1089Met)

Gene: MYH6 (myosin heavy chain 6; minus strand). Cytogenetic location: 14q11.2.
Variant type: single nucleotide variant.
Coding change: c.3267T>G on transcript NM_002471.4 (MANE Select); coding-DNA position 3267, T replaced by G.
Protein change: p.Ile1089Met; replaces isoleucine 1089 with methionine.
Molecular consequence: missense variant.
Genome position (GRCh38, 1-based): chr14:23,392,637, A>C on the plus strand (T>G on the coding strand, the complement: MYH6 is on the minus strand). VCF-style: chr14-23392637-A-C. GRCh37 (hg19) VCF-style: chr14-23861846-A-C.
Other names: short protein forms I1089M.
Identifiers: ClinVar variation 4825134 (VCV004825134.1).

ClinVar aggregate classification (germline): Uncertain significance (1 of 4 stars; one submission).

Conditions:
Cardiovascular phenotype. Identifiers: MedGen CN230736.

Submission:

Ambry Genetics
Classification: Uncertain significance for Cardiovascular phenotype. Last evaluated: 2026-02-13. Review status: criteria provided, single submitter. Criteria: Ambry Variant Classification Scheme 2023. Collection method: clinical testing. Allele origin: germline.
Comment: The p.I1089M variant (also known as c.3267T>G), located in coding exon 23 of the MYH6 gene, results from a T to G substitution at nucleotide position 3267. The isoleucine at codon 1089 is replaced by methionine, an amino acid with highly similar properties. This amino acid position is well conserved in available vertebrate species. In addition, this alteration is predicted to be tolerated by in silico analysis. Based on the available evidence, the clinical significance of this variant remains unclear.